The following is an entry in ClinVar:

NM_001353345.2(SETD1B):c.5623G>A (p.Asp1875Asn)

Gene: SETD1B (SET domain containing 1B, histone lysine methyltransferase; plus strand). Cytogenetic location: 12q24.31.
Variant type: single nucleotide variant.
Coding change: c.5623G>A on transcript NM_001353345.2 (MANE Select); coding-DNA position 5623, G replaced by A.
Protein change: p.Asp1875Asn; replaces aspartic acid 1875 with asparagine.
Molecular consequence: missense variant.
Genome position (GRCh38, 1-based): chr12:121,827,966, G>A. VCF-style: chr12-121827966-G-A. GRCh37 (hg19) VCF-style: chr12-122265872-G-A.
Other names: short protein forms D1875N.
Identifiers: ClinVar variation 3359512 (VCV003359512.1).

ClinVar aggregate classification (germline): Uncertain significance (1 of 4 stars; one submission).

Submission:

GeneDx
Classification: Uncertain significance. Last evaluated: 2023-06-05. Review status: criteria provided, single submitter. Criteria: GeneDx Variant Classification Process June 2021. Collection method: clinical testing. Allele origin: germline. Affected: yes.
Comment: Not observed at significant frequency in large population cohorts (gnomAD); In silico analysis supports that this missense variant has a deleterious effect on protein structure/function; Has not been previously published as pathogenic or benign to our knowledge